The following is an entry in ClinVar:

NM_001113378.2(FANCI):c.280A>G (p.Met94Val)

Gene: FANCI (FA complementation group I; plus strand). Cytogenetic location: 15q26.1.
Variant type: single nucleotide variant.
Coding change: c.280A>G on transcript NM_001113378.2 (MANE Select); coding-DNA position 280, A replaced by G.
Protein change: p.Met94Val; replaces methionine 94 with valine.
Molecular consequence: missense variant. On other transcripts: initiator codon variant (1).
Genome position (GRCh38, 1-based): chr15:89,260,835, A>G. VCF-style: chr15-89260835-A-G. GRCh37 (hg19) VCF-style: chr15-89804066-A-G.
Other names: c.1A>G, p.Met1Val (NM_001376910.1); c.280A>G, p.Met94Val (NM_001376911.1, NM_018193.3); short protein forms M1V, M94V.
Identifiers: ClinVar variation 2183720 (VCV002183720.7), dbSNP rs939162148, ClinGen allele CA274535652.

ClinVar aggregate classification (germline): Uncertain significance. Review status: criteria provided, multiple submitters, no conflicts (2 of 4 stars). 4 submissions from 4 submitters: Uncertain significance (4). Last evaluated 2026-01-07.

Conditions:
Fanconi anemia complementation group I (FANCI). Also called: FANCI-Related Fanconi Anemia. Identifiers: Orphanet 84, MedGen C1836861, MONDO:0012186, OMIM 609053.
FANCI-related disorder. Also called: FANCI-related condition.
Fanconi anemia (FA). Also called: Fanconi's anemia. Identifiers: Orphanet 84, MedGen C0015625, MeSH D005199, MONDO:0019391.
Inborn genetic diseases. Identifiers: MedGen C0950123, MeSH D030342.

Allele frequency attached by ClinVar (database versions not stated): gnomAD exomes below 0.00001; gnomAD 0.00005; TOPMed 0.00005.
gnomAD v4.1: 13 of 1,613,648 alleles (0.00081%); highest among the groups gnomAD compares: African/African-American, 0.015%; 1 homozygote.

Submissions (4):

Labcorp Genetics (formerly Invitae), Labcorp
Classification: Uncertain significance for Fanconi anemia. Last evaluated: 2026-01-07. Review status: criteria provided, single submitter. Criteria: Invitae Variant Classification Sherloc (09022015). Collection method: clinical testing. Allele origin: germline.
Comment: This sequence change replaces methionine, which is neutral and non-polar, with valine, which is neutral and non-polar, at codon 94 of the FANCI protein (p.Met94Val). This variant is not present in population databases (gnomAD no frequency). This variant has not been reported in the literature in individuals affected with FANCI-related conditions. ClinVar contains an entry for this variant (Variation ID: 2183720). Invitae Evidence Modeling of protein sequence and biophysical properties (such as structural, functional, and spatial information, amino acid conservation, physicochemical variation, residue mobility, and thermodynamic stability) indicates that this missense variant is not expected to disrupt FANCI protein function with a negative predictive value of 80%. In summary, the available evidence is currently insufficient to determine the role of this variant in disease. Therefore, it has been classified as a Variant of Uncertain Significance.

PreventionGenetics, part of Exact Sciences
Classification: Uncertain significance for FANCI-related condition. Last evaluated: 2025-12-26. Review status: criteria provided, single submitter. Criteria: ACMG Guidelines, 2015. Collection method: clinical testing. Allele origin: germline.
Comment: The FANCI c.280A>G variant is predicted to result in the amino acid substitution p.Met94Val. To our knowledge, this variant has not been reported in the literature or in a large population database (gnomAD), indicating this variant is rare. At this time, the clinical significance of this variant is uncertain due to the absence of conclusive functional and genetic evidence.

Ambry Genetics
Classification: Uncertain significance for Inborn genetic diseases. Last evaluated: 2025-03-31. Review status: criteria provided, single submitter. Criteria: Ambry Variant Classification Scheme 2023. Collection method: clinical testing. Allele origin: germline.

Fulgent Genetics
Classification: Uncertain significance for Fanconi anemia complementation group I. Last evaluated: 2024-04-09. Review status: criteria provided, single submitter. Criteria: ACMG Guidelines, 2015. Collection method: clinical testing. Allele origin: germline.